The following is an entry in ClinVar:

ClinVar aggregate classification (germline): Uncertain significance. Review status: criteria provided, multiple submitters, no conflicts (2 of 4 stars). 2 submissions from 2 submitters: Uncertain significance (2). Last evaluated 2026-07-30.

Conditions:
Inborn genetic diseases. Identifiers: MedGen C0950123, MeSH D030342.

Allele frequency attached by ClinVar (database versions not stated): gnomAD exomes 0.00001; gnomAD 0.00001.
gnomAD v4.1: 11 of 1,440,434 alleles (0.00076%); highest among the groups gnomAD compares: Admixed American, 0.0029%; no homozygotes.

Submissions (2):

Ambry Genetics
Classification: Uncertain significance for Inborn genetic diseases. Last evaluated: 2026-07-30. Review status: criteria provided, single submitter. Criteria: Ambry Variant Classification Scheme 2023. Collection method: clinical testing. Allele origin: germline.
Comment: The c.337G>A (p.A113T) alteration is located in exon 4 (coding exon 3) of the C5orf42 gene. This alteration results from a G to A substitution at nucleotide position 337, causing the alanine (A) at amino acid position 113 to be replaced by a threonine (T). Based on data from gnomAD, the A allele has an overall frequency of 0.001% (1/132294) total alleles studied. The highest observed frequency was 0.011% (1/9564) of Latino alleles. Based on insufficient or conflicting evidence, the clinical significance of this alteration remains unclear.

Labcorp Genetics (formerly Invitae), Labcorp
Classification: Uncertain significance. Last evaluated: 2022-03-26. Review status: criteria provided, single submitter. Criteria: Invitae Variant Classification Sherloc (09022015). Collection method: clinical testing. Allele origin: germline.
Comment: This variant has not been reported in the literature in individuals affected with CPLANE1-related conditions. This sequence change replaces alanine, which is neutral and non-polar, with threonine, which is neutral and polar, at codon 113 of the CPLANE1 protein (p.Ala113Thr). This variant also falls at the last nucleotide of exon 4, which is part of the consensus splice site for this exon. The frequency data for this variant in the population databases is considered unreliable, as metrics indicate poor data quality at this position in the gnomAD database. Algorithms developed to predict the effect of missense changes on protein structure and function are either unavailable or do not agree on the potential impact of this missense change (SIFT: "Deleterious"; PolyPhen-2: "Benign"; Align-GVGD: "Class C0"). Variants that disrupt the consensus splice site are a relatively common cause of aberrant splicing (PMID: 17576681, 9536098). Algorithms developed to predict the effect of sequence changes on RNA splicing suggest that this variant may disrupt the consensus splice site. In summary, the available evidence is currently insufficient to determine the role of this variant in disease. Therefore, it has been classified as a Variant of Uncertain Significance.

Literature cited by the submitters: PubMed 17576681 (cited by Labcorp Genetics (formerly Invitae), Labcorp); PubMed 9536098 (cited by Labcorp Genetics (formerly Invitae), Labcorp).

NM_001384732.1(CPLANE1):c.337G>A (p.Ala113Thr)

Gene: CPLANE1 (ciliogenesis and planar polarity effector complex subunit 1; minus strand). Cytogenetic location: 5p13.2.
Variant type: single nucleotide variant.
Coding change: c.337G>A on transcript NM_001384732.1 (MANE Select); coding-DNA position 337, G replaced by A.
Protein change: p.Ala113Thr; replaces alanine 113 with threonine.
Molecular consequence: missense variant.
Genome position (GRCh38, 1-based): chr5:37,245,479, C>T on the plus strand (G>A on the coding strand, the complement: CPLANE1 is on the minus strand). VCF-style: chr5-37245479-C-T. GRCh37 (hg19) VCF-style: chr5-37245581-C-T.
Other names: c.337G>A, p.Ala113Thr (NM_023073.4); c.337G>A (NM_023073.3); short protein forms A113T.
Identifiers: ClinVar variation 2156111 (VCV002156111.5), dbSNP rs1023404450, ClinGen allele CA117069325.